The following is an entry in ClinVar:

ClinVar aggregate classification (germline): Uncertain significance (0 of 4 stars; one submission).

Conditions:
WNT10B-related disorder. Also called: WNT10B-related condition.

gnomAD v4.1: 1 of 1,543,936 alleles (0.000065%); no homozygotes.

Submission:

PreventionGenetics, part of Exact Sciences
Classification: Uncertain significance for WNT10B-related condition. Last evaluated: 2024-09-24. Review status: no assertion criteria provided. Collection method: clinical testing. Allele origin: germline.
Comment: The WNT10B c.275G>T variant is predicted to result in the amino acid substitution p.Trp92Leu. To our knowledge, this variant has not been reported in the literature or in a large population database, indicating this variant is rare. At this time, the clinical significance of this variant is uncertain due to the absence of conclusive functional and genetic evidence.

NM_003394.4(WNT10B):c.275G>T (p.Trp92Leu)

Gene: WNT10B (Wnt family member 10B; minus strand). Cytogenetic location: 12q13.12.
Variant type: single nucleotide variant.
Coding change: c.275G>T on transcript NM_003394.4 (MANE Select); coding-DNA position 275, G replaced by T.
Protein change: p.Trp92Leu; replaces tryptophan 92 with leucine.
Molecular consequence: missense variant.
Genome position (GRCh38, 1-based): chr12:48,970,151, C>A on the plus strand (G>T on the coding strand, the complement: WNT10B is on the minus strand). VCF-style: chr12-48970151-C-A. GRCh37 (hg19) VCF-style: chr12-49363934-C-A.
Other names: short protein forms W92L.
Identifiers: ClinVar variation 3346131 (VCV003346131.1).